The following is an entry in ClinVar:

NM_001122681.2(SH3BP2):c.821C>A (p.Pro274His)

Gene: SH3BP2 (SH3 domain binding protein 2; plus strand). Cytogenetic location: 4p16.3.
Variant type: single nucleotide variant.
Coding change: c.821C>A on transcript NM_001122681.2 (MANE Select); coding-DNA position 821, C replaced by A.
Protein change: p.Pro274His; replaces proline 274 with histidine.
Molecular consequence: missense variant.
Genome position (GRCh38, 1-based): chr4:2,829,727, C>A. VCF-style: chr4-2829727-C-A. GRCh37 (hg19) VCF-style: chr4-2831454-C-A.
Other names: c.905C>A, p.Pro302His (NM_001145855.2); c.992C>A, p.Pro331His (NM_001145856.2); c.821C>A, p.Pro274His (NM_003023.4); short protein forms P331H, P274H, P302H.
Identifiers: ClinVar variation 2180151 (VCV002180151.5), dbSNP rs760547264, ClinGen allele CA2819329.
Genomic context (GRCh38, chr4:2,829,727, plus strand): 5'-CCAAGAGGGACCCACTGTGCCCGAGGCGGGCTGAGCCTTGCCCCAGGGTACCTGCTACCC[C>A]CCGAAGGATGAGCGATCCCCCTCTGAGCACCATGCCCACCGCACCCGGCCTCCGGAAACC-3'
Protein context (NP_001116153.1, residues 264-284): AEPCPRVPAT[Pro274His]RRMSDPPLST

ClinVar aggregate classification (germline): Uncertain significance. Review status: criteria provided, multiple submitters, no conflicts (2 of 4 stars). 2 submissions from 2 submitters: Uncertain significance (2). Last evaluated 2025-02-16.

Conditions:
Inborn genetic diseases. Identifiers: MedGen C0950123, MeSH D030342.
Fibrous dysplasia of jaw (CRBM). Also called: Cherubism. Identifiers: Orphanet 184, MedGen C0008029, MONDO:0007315, OMIM 118400.

Allele frequency attached by ClinVar (database versions not stated): gnomAD 0.00004.
gnomAD v4.1: 15 of 1,612,754 alleles (0.00093%); highest among the groups gnomAD compares: African/African-American, 0.008%; no homozygotes.

Submissions (2):

Labcorp Genetics (formerly Invitae), Labcorp
Classification: Uncertain significance for Fibrous dysplasia of jaw. Last evaluated: 2025-02-16. Review status: criteria provided, single submitter. Criteria: Invitae Variant Classification Sherloc (09022015). Collection method: clinical testing. Allele origin: germline.
Comment: This sequence change replaces proline, which is neutral and non-polar, with histidine, which is basic and polar, at codon 274 of the SH3BP2 protein (p.Pro274His). This variant is present in population databases (rs760547264, gnomAD 0.004%). This variant has not been reported in the literature in individuals affected with SH3BP2-related conditions. ClinVar contains an entry for this variant (Variation ID: 2180151). Invitae Evidence Modeling of protein sequence and biophysical properties (such as structural, functional, and spatial information, amino acid conservation, physicochemical variation, residue mobility, and thermodynamic stability) indicates that this missense variant is not expected to disrupt SH3BP2 protein function with a negative predictive value of 80%. In summary, the available evidence is currently insufficient to determine the role of this variant in disease. Therefore, it has been classified as a Variant of Uncertain Significance.

Ambry Genetics
Classification: Uncertain significance for Inborn genetic diseases. Last evaluated: 2024-12-22. Review status: criteria provided, single submitter. Criteria: Ambry Variant Classification Scheme 2023. Collection method: clinical testing. Allele origin: germline.